The following is an entry in ClinVar:

NM_006277.3(ITSN2):c.562C>T (p.Pro188Ser)

Gene: ITSN2 (intersectin 2; minus strand). Cytogenetic location: 2p23.3.
Variant type: single nucleotide variant.
Coding change: c.562C>T on transcript NM_006277.3 (MANE Select); coding-DNA position 562, C replaced by T.
Protein change: p.Pro188Ser; replaces proline 188 with serine.
Molecular consequence: missense variant.
Genome position (GRCh38, 1-based): chr2:24,310,375, G>A on the plus strand (C>T on the coding strand, the complement: ITSN2 is on the minus strand). VCF-style: chr2-24310375-G-A. GRCh37 (hg19) VCF-style: chr2-24533244-G-A.
Other names: c.520C>T, p.Pro174Ser (NM_001348181.2, NM_001348184.2); c.562C>T, p.Pro188Ser (NM_001348182.2, NM_001348183.2, NM_001348185.2 and 3 more transcripts); short protein forms P188S, P174S.
Identifiers: ClinVar variation 2185207 (VCV002185207.4), dbSNP rs1025541867, ClinGen allele CA43607861.

ClinVar aggregate classification (germline): Uncertain significance (1 of 4 stars; one submission).

Allele frequency attached by ClinVar (database versions not stated): gnomAD exomes below 0.00001; TOPMed 0.00001.
gnomAD v4.1: 5 of 1,612,692 alleles (0.00031%); highest among the groups gnomAD compares: Middle Eastern, 0.017%; no homozygotes.

Submission:

Labcorp Genetics (formerly Invitae), Labcorp
Classification: Uncertain significance. Last evaluated: 2023-12-21. Review status: criteria provided, single submitter. Criteria: Invitae Variant Classification Sherloc (09022015). Collection method: clinical testing. Allele origin: germline.
Comment: This sequence change replaces proline, which is neutral and non-polar, with serine, which is neutral and polar, at codon 188 of the ITSN2 protein (p.Pro188Ser). This variant is present in population databases (no rsID available, gnomAD 0.009%). This variant has not been reported in the literature in individuals affected with ITSN2-related conditions. ClinVar contains an entry for this variant (Variation ID: 2185207). An algorithm developed to predict the effect of missense changes on protein structure and function (PolyPhen-2) suggests that this variant is likely to be disruptive. In summary, the available evidence is currently insufficient to determine the role of this variant in disease. Therefore, it has been classified as a Variant of Uncertain Significance.